The following is an entry in ClinVar:

NM_021784.5(FOXA2):c.360G>C (p.Gly120=)

Gene: FOXA2 (forkhead box A2; minus strand). Cytogenetic location: 20p11.21.
Variant type: single nucleotide variant.
Coding change: c.360G>C on transcript NM_021784.5 (MANE Select); coding-DNA position 360, G replaced by C.
Protein change: p.Gly120=; no amino-acid change (glycine 120 retained).
Molecular consequence: synonymous variant.
Genome position (GRCh38, 1-based): chr20:22,582,882, C>G on the plus strand (G>C on the coding strand, the complement: FOXA2 is on the minus strand). VCF-style: chr20-22582882-C-G. GRCh37 (hg19) VCF-style: chr20-22563520-C-G.
Other names: c.360G>C (NM_021784.4); c.342G>C, p.Gly114= (NM_153675.3).
Identifiers: ClinVar variation 2710529 (VCV002710529.5), dbSNP rs529080992, ClinGen allele CA9787052.

ClinVar aggregate classification (germline): Benign. Review status: criteria provided, single submitter (1 of 4 stars). 2 submissions from 2 submitters: Benign (1). 1 of the submissions does not count toward it. Last evaluated 2025-10-08.

Conditions:
FOXA2-related disorder. Also called: FOXA2-related condition.

Allele frequency attached by ClinVar (database versions not stated): gnomAD 0.00011; TOPMed 0.00012; ExAC 0.00035; 1000 Genomes Project 30x 0.00047; 1000 Genomes Project 0.00060.

Submissions (2):

Labcorp Genetics (formerly Invitae), Labcorp
Classification: Benign. Last evaluated: 2025-10-08. Review status: criteria provided, single submitter. Criteria: Invitae Variant Classification Sherloc (09022015). Collection method: clinical testing. Allele origin: germline.

PreventionGenetics, part of Exact Sciences
Classification: Likely benign for FOXA2-related condition. Last evaluated: 2020-11-24. Review status: no assertion criteria provided. Collection method: clinical testing. Allele origin: germline. Not counted in ClinVar's aggregate classification.
Comment: This variant is classified as likely benign based on ACMG/AMP sequence variant interpretation guidelines (Richards et al. 2015 PMID: 25741868, with internal and published modifications).